The following is an entry in ClinVar:

ClinVar aggregate classification (germline): Uncertain significance. Review status: criteria provided, multiple submitters, no conflicts (2 of 4 stars). 2 submissions from 2 submitters: Uncertain significance (2). Last evaluated 2024-04-19.

Conditions:
Brain malformations with or without urinary tract defects. Also called: Brain malformations and urinary tract defects. Identifiers: MedGen C4478940, MONDO:0100478, OMIM 613735.

Allele frequency attached by ClinVar (database versions not stated): gnomAD exomes below 0.00001.
gnomAD v4.1: 2 of 1,613,798 alleles (0.00012%); highest among the groups gnomAD compares: Non-Finnish European, 0.00017%; no homozygotes.

Submissions (2):

GeneDx
Classification: Uncertain significance. Last evaluated: 2024-04-19. Review status: criteria provided, single submitter. Criteria: GeneDx Variant Classification Process June 2021. Collection method: clinical testing. Allele origin: germline. Affected: yes.
Comment: Not observed at significant frequency in large population cohorts (gnomAD); In silico analysis supports that this missense variant has a deleterious effect on protein structure/function; Has not been previously published as pathogenic or benign to our knowledge

Illumina Laboratory Services, Illumina
Classification: Uncertain significance for Brain malformations with or without urinary tract defects. Last evaluated: 2020-04-07. Review status: criteria provided, single submitter. Criteria: ICSLVariantClassificationCriteria RUGD 01 April 2020. Collection method: clinical testing. Allele origin: unknown.
Comment: The NFIA c.391G>A p.(Glu131Lys) missense variant has not, to our knowledge, been reported in the peer-reviewed literature. This variant is not observed in version 2.1.1 of the Genome Aggregation Database. Based on the limited evidence, thec.391G>A p.(Glu131Lys) variant is classified as a variant of uncertain significance for brain malformations with or without urinary tract defects.

NM_001134673.4(NFIA):c.256G>A (p.Glu86Lys)

Gene: NFIA (nuclear factor I A; plus strand). Cytogenetic location: 1p31.3.
Variant type: single nucleotide variant.
Coding change: c.256G>A on transcript NM_001134673.4 (MANE Select); coding-DNA position 256, G replaced by A.
Protein change: p.Glu86Lys; replaces glutamic acid 86 with lysine.
Molecular consequence: missense variant.
Genome position (GRCh38, 1-based): chr1:61,088,377, G>A. VCF-style: chr1-61088377-G-A. GRCh37 (hg19) VCF-style: chr1-61554049-G-A.
Other names: c.232G>A, p.Glu78Lys (NM_001145511.2); c.391G>A, p.Glu131Lys (NM_001145512.2); c.256G>A, p.Glu86Lys (NM_005595.5); c.256G>A (NM_005595.4); short protein forms E131K, E78K, E86K.
Identifiers: ClinVar variation 3062033 (VCV003062033.2), dbSNP rs2524200101, ClinGen allele CA340586636.
Genomic context (GRCh38, chr1:61,088,377, plus strand): 5'-GAGGTCAAGCAGAAGTGGGCATCTCGACTTCTGGCAAAGTTGCGGAAAGATATCCGACCC[G>A]AATATCGAGAGGATTTTGTTCTTACAGTTACAGGGAAAAAACCTCCATGTTGTGTTCTTT-3'
Protein context (NP_001128145.1, residues 76-96): LAKLRKDIRP[Glu86Lys]YREDFVLTVT